The following is an entry in ClinVar:

NM_001999.4(FBN2):c.2990-2A>G

Genes: FBN2 (fibrillin 2; minus strand), LOC126807501 (BRD4-independent group 4 enhancer GRCh37_chr5:127680731-127681930; plus strand). Cytogenetic location: 5q23.3.
Variant type: single nucleotide variant.
Coding change: c.2990-2A>G on transcript NM_001999.4 (MANE Select); the canonical splice acceptor site of the intron before coding-DNA position 2990, A replaced by G.
Molecular consequence: splice acceptor variant.
Genome position (GRCh38, 1-based): chr5:128,345,586, T>C on the plus strand (A>G on the coding strand, the complement: FBN2 is on the minus strand). VCF-style: chr5-128345586-T-C. GRCh37 (hg19) VCF-style: chr5-127681278-T-C.
Identifiers: ClinVar variation 4070673 (VCV004070673.1).
Genomic context (GRCh38, chr5:128,345,586, plus strand): 5'-AACGGGGTGGATGCATTCATCTTCATCCCACTTCAAGTAACACTGCTCCATGCGAATATC[T>C]ACACCGAGAACGAAATCACAGGGTGAGAATGAGTTGAAACATCCATTGAACAGTCACATG-3'

ClinVar aggregate classification (germline): Uncertain significance (1 of 4 stars; one submission).

Submission:

GeneDx
Classification: Uncertain significance. Last evaluated: 2025-01-15. Review status: criteria provided, single submitter. Criteria: GeneDx Variant Classification Process June 2021. Collection method: clinical testing. Allele origin: germline. Affected: yes.
Comment: Not observed at significant frequency in large population cohorts (gnomAD); Canonical splice site variant with an unclear effect on protein function; Has not been previously published as pathogenic or benign to our knowledge